The following is an entry in ClinVar:

NM_005591.4(MRE11):c.1676A>G (p.Asp559Gly)

Gene: MRE11 (MRE11 double strand break repair nuclease; minus strand). Cytogenetic location: 11q21.
Variant type: single nucleotide variant.
Coding change: c.1676A>G on transcript NM_005591.4 (MANE Select); coding-DNA position 1676, A replaced by G.
Protein change: p.Asp559Gly; replaces aspartic acid 559 with glycine.
Molecular consequence: missense variant.
Genome position (GRCh38, 1-based): chr11:94,447,326, T>C on the plus strand (A>G on the coding strand, the complement: MRE11 is on the minus strand). VCF-style: chr11-94447326-T-C. GRCh37 (hg19) VCF-style: chr11-94180492-T-C.
Other names: c.1676A>G, p.Asp559Gly (NM_001330347.2, NM_005590.4); short protein forms D559G.
Identifiers: ClinVar variation 184754 (VCV000184754.12), dbSNP rs786201666, ClinGen allele CA333857.
Genomic context (GRCh38, chr11:94,447,326, plus strand): 5'-CCACCTCTTCGACCTCTTCCTCGGCCTCTTCCTTTGTTGGTTGCTGCTGAGATGCTATCA[T>C]CAGAGTCATTAGCCATCTGTTCTGCTAAATCTATACTCATAAGGTCATCAGCACTAAAGG-3'
Protein context (NP_005582.1, residues 549-569): DLAEQMANDS[Asp559Gly]DSISAATNKG

ClinVar aggregate classification (germline): Uncertain significance. Review status: criteria provided, multiple submitters, no conflicts (2 of 4 stars). 2 submissions from 2 submitters: Uncertain significance (2). Last evaluated 2025-06-26.

Conditions:
Ataxia-telangiectasia-like disorder (ATLD). Identifiers: MedGen C1858391, MONDO:0011457.
Hereditary cancer-predisposing syndrome. Also called: Hereditary neoplastic syndrome; Neoplastic Syndromes, Hereditary; Tumor predisposition; Hereditary Cancer Syndrome. Identifiers: Orphanet 140162, MedGen C0027672, MeSH D009386, MONDO:0015356.

Allele frequency attached by ClinVar (database versions not stated): gnomAD exomes below 0.00001; gnomAD 0.00001.
gnomAD v4.1: 3 of 1,613,990 alleles (0.00019%); highest among the groups gnomAD compares: Non-Finnish European, 0.00025%; no homozygotes.

Submissions (2):

Ambry Genetics
Classification: Uncertain significance for Hereditary cancer-predisposing syndrome. Last evaluated: 2025-06-26. Review status: criteria provided, single submitter. Criteria: Ambry Variant Classification Scheme 2023. Collection method: clinical testing. Allele origin: germline.
Comment: The p.D559G variant (also known as c.1676A>G), located in coding exon 14 of the MRE11A gene, results from an A to G substitution at nucleotide position 1676. The aspartic acid at codon 559 is replaced by glycine, an amino acid with similar properties. This variant was not reported in population based cohorts in the following databases: Database of Single Nucleotide Polymorphisms (dbSNP), NHLBI Exome Sequencing Project (ESP), and 1000 Genomes Project. To date, this alteration has been detected with an allele frequency of approximately 0.001% (greater than 175000 alleles tested) in our clinical cohort. This amino acid position is well conserved in available vertebrate species. In addition, the in silico prediction for this alteration is inconclusive. Since supporting evidence is limited at this time, the clinical significance of p.D559G remains unclear.

Labcorp Genetics (formerly Invitae), Labcorp
Classification: Uncertain significance for Ataxia-telangiectasia-like disorder. Last evaluated: 2021-09-01. Review status: criteria provided, single submitter. Criteria: Invitae Variant Classification Sherloc (09022015). Collection method: clinical testing. Allele origin: germline.
Comment: This sequence change replaces aspartic acid with glycine at codon 559 of the MRE11 protein (p.Asp559Gly). The aspartic acid residue is moderately conserved and there is a moderate physicochemical difference between aspartic acid and glycine. This variant is not present in population databases (ExAC no frequency). This variant has not been reported in the literature in individuals affected with MRE11-related conditions. ClinVar contains an entry for this variant (Variation ID: 184754). Algorithms developed to predict the effect of missense changes on protein structure and function are either unavailable or do not agree on the potential impact of this missense change (SIFT: "Deleterious"; PolyPhen-2: "Benign"; Align-GVGD: "Class C0"). In summary, the available evidence is currently insufficient to determine the role of this variant in disease. Therefore, it has been classified as a Variant of Uncertain Significance.